The following is an entry in ClinVar:

ClinVar aggregate classification (germline): Uncertain significance (1 of 4 stars; one submission).

Conditions:
Fanconi anemia (FA). Also called: Fanconi's anemia. Identifiers: Orphanet 84, MedGen C0015625, MeSH D005199, MONDO:0019391.

Allele frequency attached by ClinVar (database versions not stated): gnomAD exomes below 0.00001.
gnomAD v4.1: 2 of 1,614,198 alleles (0.00012%); highest among the groups gnomAD compares: Non-Finnish European, 0.00017%; no homozygotes.

Submission:

Labcorp Genetics (formerly Invitae), Labcorp
Classification: Uncertain significance for Fanconi anemia. Last evaluated: 2024-06-10. Review status: criteria provided, single submitter. Criteria: Invitae Variant Classification Sherloc (09022015). Collection method: clinical testing. Allele origin: germline.
Comment: This sequence change falls in intron 5 of the FANCG gene. It does not directly change the encoded amino acid sequence of the FANCG protein. It affects a nucleotide within the consensus splice site. This variant is not present in population databases (gnomAD no frequency). This variant has not been reported in the literature in individuals affected with FANCG-related conditions. ClinVar contains an entry for this variant (Variation ID: 1485448). Variants that disrupt the consensus splice site are a relatively common cause of aberrant splicing (PMID: 17576681, 9536098). Algorithms developed to predict the effect of sequence changes on RNA splicing suggest that this variant is not likely to affect RNA splicing. In summary, the available evidence is currently insufficient to determine the role of this variant in disease. Therefore, it has been classified as a Variant of Uncertain Significance.

Literature cited by the submitters: PubMed 17576681; PubMed 9536098.

NM_004629.2(FANCG):c.647-3C>T

Gene: FANCG (FA complementation group G; minus strand). Cytogenetic location: 9p13.3.
Variant type: single nucleotide variant.
Coding change: c.647-3C>T on transcript NM_004629.2 (MANE Select); 3 bases into the intron before coding-DNA position 647, C replaced by T.
Molecular consequence: intron variant.
Genome position (GRCh38, 1-based): chr9:35,077,104, G>A on the plus strand (C>T on the coding strand, the complement: FANCG is on the minus strand). VCF-style: chr9-35077104-G-A. GRCh37 (hg19) VCF-style: chr9-35077101-G-A.
Identifiers: ClinVar variation 1485448 (VCV001485448.7), dbSNP rs1311964497, ClinGen allele CA2573144518.